The following is an entry in ClinVar:

ClinVar aggregate classification (germline): Uncertain significance. Review status: criteria provided, multiple submitters, no conflicts (2 of 4 stars). 2 submissions from 2 submitters: Uncertain significance (2). Last evaluated 2022-09-18.

Conditions:
Inborn genetic diseases. Identifiers: MedGen C0950123, MeSH D030342.
Mosaic variegated aneuploidy syndrome 1 (MVA1). Also called: Warburton-Anyane-Yeboa syndrome. Identifiers: Orphanet 1052, MedGen C1850343, MONDO:0009759, OMIM 257300.

gnomAD v4.1: 1 of 1,614,234 alleles (0.000062%); highest among the groups gnomAD compares: Non-Finnish European, 0.000085%; no homozygotes.

Submissions (2):

Labcorp Genetics (formerly Invitae), Labcorp
Classification: Uncertain significance for Mosaic variegated aneuploidy syndrome 1. Last evaluated: 2022-09-18. Review status: criteria provided, single submitter. Criteria: Invitae Variant Classification Sherloc (09022015). Collection method: clinical testing. Allele origin: germline.
Comment: This sequence change replaces glutamine, which is neutral and polar, with proline, which is neutral and non-polar, at codon 47 of the BUB1B protein (p.Gln47Pro). This variant is not present in population databases (gnomAD no frequency). This variant has not been reported in the literature in individuals affected with BUB1B-related conditions. Algorithms developed to predict the effect of missense changes on protein structure and function are either unavailable or do not agree on the potential impact of this missense change (SIFT: "Deleterious"; PolyPhen-2: "Probably Damaging"; Align-GVGD: "Class C0"). In summary, the available evidence is currently insufficient to determine the role of this variant in disease. Therefore, it has been classified as a Variant of Uncertain Significance.

Ambry Genetics
Classification: Uncertain significance for Inborn genetic diseases. Last evaluated: 2022-04-30. Review status: criteria provided, single submitter. Criteria: Ambry Variant Classification Scheme 2023. Collection method: clinical testing. Allele origin: germline.
Comment: The p.Q47P variant (also known as c.140A>C), located in coding exon 2 of the BUB1B gene, results from an A to C substitution at nucleotide position 140. The glutamine at codon 47 is replaced by proline, an amino acid with similar properties. This amino acid position is conserved. In addition, this alteration is predicted to be tolerated by in silico analysis. Since supporting evidence is limited at this time, the clinical significance of this alteration remains unclear.

NM_001211.6(BUB1B):c.140A>C (p.Gln47Pro)

Gene: BUB1B (BUB1 mitotic checkpoint serine/threonine kinase B; plus strand). Cytogenetic location: 15q15.1.
Variant type: single nucleotide variant.
Coding change: c.140A>C on transcript NM_001211.6 (MANE Select); coding-DNA position 140, A replaced by C.
Protein change: p.Gln47Pro; replaces glutamine 47 with proline.
Molecular consequence: missense variant.
Genome position (GRCh38, 1-based): chr15:40,165,157, A>C. VCF-style: chr15-40165157-A-C. GRCh37 (hg19) VCF-style: chr15-40457358-A-C.
Other names: short protein forms Q47P.
Identifiers: ClinVar variation 1771974 (VCV001771974.7), dbSNP rs2037080856, ClinGen allele CA391677207.